The following is an entry in ClinVar:

ClinVar aggregate classification (germline): Uncertain significance (1 of 4 stars; one submission).

Conditions:
Familial thoracic aortic aneurysm and aortic dissection (TAAD). Also called: Thoracic aortic aneurysms and dissections. Identifiers: Orphanet 91387, MedGen C4707243, MONDO:0019625.

gnomAD v4.1: 2 of 1,614,122 alleles (0.00012%); highest among the groups gnomAD compares: Non-Finnish European, 0.00017%; no homozygotes.

Submission:

Labcorp Genetics (formerly Invitae), Labcorp
Classification: Uncertain significance for Familial thoracic aortic aneurysm and aortic dissection. Last evaluated: 2025-11-15. Review status: criteria provided, single submitter. Criteria: Invitae Variant Classification Sherloc (09022015). Collection method: clinical testing. Allele origin: germline.
Comment: This sequence change replaces isoleucine, which is neutral and non-polar, with threonine, which is neutral and polar, at codon 37 of the TGFBR2 protein (p.Ile37Thr). This variant is not present in population databases (gnomAD no frequency). This variant has not been reported in the literature in individuals affected with TGFBR2-related conditions. Invitae Evidence Modeling of protein sequence and biophysical properties (such as structural, functional, and spatial information, amino acid conservation, physicochemical variation, residue mobility, and thermodynamic stability) indicates that this missense variant is not expected to disrupt TGFBR2 protein function with a negative predictive value of 95%. In summary, the available evidence is currently insufficient to determine the role of this variant in disease. Therefore, it has been classified as a Variant of Uncertain Significance.

NM_003242.6(TGFBR2):c.110T>C (p.Ile37Thr)

Gene: TGFBR2 (transforming growth factor beta receptor 2; plus strand). Cytogenetic location: 3p24.1.
Variant type: single nucleotide variant.
Coding change: c.110T>C on transcript NM_003242.6 (MANE Select); coding-DNA position 110, T replaced by C.
Protein change: p.Ile37Thr; replaces isoleucine 37 with threonine.
Molecular consequence: missense variant. On other transcripts: intron variant (2).
Genome position (GRCh38, 1-based): chr3:30,644,762, T>C. VCF-style: chr3-30644762-T-C. GRCh37 (hg19) VCF-style: chr3-30686254-T-C.
Other names: c.185T>C, p.Ile62Thr (NM_001024847.3, NM_001407126.1, NM_001407139.1); c.110T>C, p.Ile37Thr (NM_001407127.1, NM_001407130.1); c.137T>C, p.Ile46Thr (NM_001407128.1); c.5T>C, p.Ile2Thr (NM_001407129.1, NM_001407132.1, NM_001407133.1 and 3 more transcripts); c.169+21489T>C (NM_001407137.1); c.95-26876T>C (NM_001407138.1); short protein forms I2T, I37T, I46T, I62T.
Identifiers: ClinVar variation 4801602 (VCV004801602.1).